The following is an entry in ClinVar:

ClinVar aggregate classification (germline): Pathogenic/Likely pathogenic. Review status: criteria provided, multiple submitters, no conflicts (2 of 4 stars). 3 submissions from 3 submitters: Pathogenic (1); Likely pathogenic (1). 1 of the submissions does not count toward it. Last evaluated 2024-08-21.

Conditions:
Thrombophilia due to protein S deficiency, autosomal recessive (THPH6). Identifiers: Orphanet 743, MedGen C3281092, MONDO:0013791, OMIM 614514. Disease mechanism: loss of function.
Thrombophilia due to protein S deficiency, autosomal dominant (THPH5). Identifiers: Orphanet 26349, Orphanet 743, MedGen C3278211, MONDO:0012868, OMIM 612336. Disease mechanism: loss of function.

Allele frequency attached by ClinVar (database versions not stated): gnomAD exomes below 0.00001 and 0.00002; TOPMed 0.00001; ExAC 0.00001.
gnomAD v4.1: 30 of 1,612,814 alleles (0.0019%); highest among the groups gnomAD compares: Non-Finnish European, 0.0024%; no homozygotes.

Submissions (3):

Labcorp Genetics (formerly Invitae), Labcorp
Classification: Pathogenic for Thrombophilia due to protein S deficiency, autosomal recessive. Last evaluated: 2024-08-21. Review status: criteria provided, single submitter. Criteria: Invitae Variant Classification Sherloc (09022015). Collection method: clinical testing. Allele origin: germline.
Comment: This sequence change replaces cysteine, which is neutral and slightly polar, with tyrosine, which is neutral and polar, at codon 186 of the PROS1 protein (p.Cys186Tyr). This variant is present in population databases (rs779391826, gnomAD 0.0009%). This missense change has been observed in individuals with protein S deficiency (PMID: 8781426, 8943854, 10706858, 20880255, 22261441, 28607330). It has also been observed to segregate with disease in related individuals. This variant is also known as p.Cys145Tyr. ClinVar contains an entry for this variant (Variation ID: 1435151). Invitae Evidence Modeling of protein sequence and biophysical properties (such as structural, functional, and spatial information, amino acid conservation, physicochemical variation, residue mobility, and thermodynamic stability) indicates that this missense variant is expected to disrupt PROS1 protein function with a positive predictive value of 80%. For these reasons, this variant has been classified as Pathogenic.

Juno Genomics, Hangzhou Juno Genomics, Inc
Classification: Likely pathogenic for Thrombophilia due to protein S deficiency, autosomal dominant; Thrombophilia due to protein S deficiency, autosomal recessive. Review status: criteria provided, single submitter. Criteria: ACMG Guidelines, 2015. Collection method: clinical testing. Allele origin: germline. Affected: yes.
Comment: Absent from controls (or at extremely low frequency if recessive) in Genome Aggregation Database, Exome Sequencing Project, 1000 Genomes Project, or Exome Aggregation Consortium.;Multiple lines of computational evidence support a deleterious effect on the gene or gene product (conservation, evolutionary, splicing impact, etc).;The prevalence of the variant in affected individuals is significantly increased compared to the prevalence in controls.;Co-segregation with disease in multiple affected family members in a gene definitively known to cause the disease.

Department of Transfusion Medicine and Hemostaseology, University Hospital Erlangen
Classification: Pathogenic for Thrombophilia due to protein S deficiency, autosomal dominant. Last evaluated: 2025-09-01. Review status: no assertion criteria provided. Collection method: clinical testing. Allele origin: germline. Not counted in ClinVar's aggregate classification.
Comment: This variant was identified during a screening of patients with suspected hereditary Protein S deficiency. It has been repeatedly described in the literature as correlating with protein S deficiency (e.g., PMID: 8943854, 8781426, 28607330), but has not been characterized in vitro. According to dbSNP it represents a very rare genetic alteration, previously not detected in the European population according to the Allele Frequency Aggregator dataset. Several in silico variant effect prediction tools (PolyPhen-2, SIFT, AlphaMissense) classify this variant as likely pathogenic. Taking into account that this variant disrupts a structurally important disulfide bond of Protein S, we classified it as pathogenic.

Literature cited by the submitters: PubMed 8781426 (cited by Labcorp Genetics (formerly Invitae), Labcorp and Department of Transfusion Medicine and Hemostaseology, University Hospital Erlangen); PubMed 8943854 (cited by Labcorp Genetics (formerly Invitae), Labcorp and Department of Transfusion Medicine and Hemostaseology, University Hospital Erlangen); PubMed 10706858 (cited by Labcorp Genetics (formerly Invitae), Labcorp); PubMed 20880255 (cited by Labcorp Genetics (formerly Invitae), Labcorp); PubMed 22261441 (cited by Labcorp Genetics (formerly Invitae), Labcorp); PubMed 28607330 (cited by Labcorp Genetics (formerly Invitae), Labcorp and Department of Transfusion Medicine and Hemostaseology, University Hospital Erlangen).

NM_000313.4(PROS1):c.557G>A (p.Cys186Tyr)

Gene: PROS1 (protein S; minus strand). Cytogenetic location: 3q11.1.
Variant type: single nucleotide variant.
Coding change: c.557G>A on transcript NM_000313.4 (MANE Select); coding-DNA position 557, G replaced by A.
Protein change: p.Cys186Tyr; replaces cysteine 186 with tyrosine.
Molecular consequence: missense variant.
Genome position (GRCh38, 1-based): chr3:93,905,828, C>T on the plus strand (G>A on the coding strand, the complement: PROS1 is on the minus strand). VCF-style: chr3-93905828-C-T. GRCh37 (hg19) VCF-style: chr3-93624672-C-T.
Other names: c.653G>A, p.Cys218Tyr (NM_001314077.2); short protein forms C186Y, C218Y.
Identifiers: ClinVar variation 1435151 (VCV001435151.10), dbSNP rs779391826, ClinGen allele CA2503453.